The following is an entry in ClinVar:

NM_001849.4(COL6A2):c.2833G>A (p.Val945Met)

Gene: COL6A2 (collagen type VI alpha 2 chain; plus strand). Cytogenetic location: 21q22.3.
Variant type: single nucleotide variant.
Coding change: c.2833G>A on transcript NM_001849.4 (MANE Select); coding-DNA position 2833, G replaced by A.
Protein change: p.Val945Met; replaces valine 945 with methionine.
Molecular consequence: missense variant.
Genome position (GRCh38, 1-based): chr21:46,132,325, G>A. VCF-style: chr21-46132325-G-A. GRCh37 (hg19) VCF-style: chr21-47552239-G-A.
Other names: short protein forms V945M.
Identifiers: ClinVar variation 3703228 (VCV003703228.3).

ClinVar aggregate classification (germline): Uncertain significance. Review status: criteria provided, multiple submitters, no conflicts (2 of 4 stars). 2 submissions from 2 submitters: Uncertain significance (2). Last evaluated 2025-12-18.

Conditions:
Collagen 6-related myopathy. Identifiers: MedGen CN117976, MONDO:0100225.
Bethlem myopathy 1A. Also called: MYOPATHY, BENIGN CONGENITAL, WITH CONTRACTURES; Bethlem myopathy 1; Bethlem Muscular Dystrophy. Identifiers: Orphanet 610, MedGen CN029274, MONDO:0024530, OMIM 158810.

gnomAD v4.1: 12 of 1,607,494 alleles (0.00075%); highest among the groups gnomAD compares: East Asian, 0.0067%; no homozygotes.

Submissions (2):

Labcorp Genetics (formerly Invitae), Labcorp
Classification: Uncertain significance for Bethlem myopathy 1A. Last evaluated: 2025-12-18. Review status: criteria provided, single submitter. Criteria: Invitae Variant Classification Sherloc (09022015). Collection method: clinical testing. Allele origin: germline.
Comment: This sequence change replaces valine, which is neutral and non-polar, with methionine, which is neutral and non-polar, at codon 945 of the COL6A2 protein (p.Val945Met). This variant is present in population databases (rs762041959, gnomAD 0.01%). This variant has not been reported in the literature in individuals affected with COL6A2-related conditions. ClinVar contains an entry for this variant (Variation ID: 3703228). Invitae Evidence Modeling of protein sequence and biophysical properties (such as structural, functional, and spatial information, amino acid conservation, physicochemical variation, residue mobility, and thermodynamic stability) indicates that this missense variant is expected to disrupt COL6A2 protein function with a positive predictive value of 80%. In summary, the available evidence is currently insufficient to determine the role of this variant in disease. Therefore, it has been classified as a Variant of Uncertain Significance.

Department of Pathology and Laboratory Medicine, Sinai Health System
Classification: Uncertain significance for collagen 6-related myopathy. Last evaluated: 2021-12-22. Review status: criteria provided, single submitter. Criteria: ACMG Guidelines, 2015. Collection method: research. Allele origin: germline.